The following is an entry in ClinVar:

ClinVar aggregate classification (germline): Uncertain significance. Review status: criteria provided, multiple submitters, no conflicts (2 of 4 stars). 4 submissions from 4 submitters: Uncertain significance (4). Last evaluated 2026-07-20.

Conditions:
EYS-related disorder. Also called: EYS-related condition.
Retinitis pigmentosa (RP). Identifiers: Orphanet 791, MedGen C0035334, MeSH D012174, MONDO:0019200, OMIM 268000. Inheritance: Autosomal dominant, autosomal recessive and X linked inheritance.

Allele frequency attached by ClinVar (database versions not stated): gnomAD exomes 0.00001; gnomAD 0.00002; TOPMed 0.00003; ExAC 0.00005.
gnomAD v4.1: 14 of 1,540,344 alleles (0.00091%); highest among the groups gnomAD compares: African/African-American, 0.0014%; no homozygotes.

Submissions (4):

PreventionGenetics, part of Exact Sciences
Classification: Uncertain significance for EYS-related condition. Last evaluated: 2026-07-20. Review status: criteria provided, single submitter. Criteria: ACMG Guidelines, 2015. Collection method: clinical testing. Allele origin: germline.
Comment: The EYS c.5903G>A variant is predicted to result in the amino acid substitution p.Gly1968Glu. To our knowledge, this variant has not been reported in the literature. This variant is reported in 0.0017% of alleles in individuals of European (Non-Finnish) descent in gnomAD. At this time, the clinical significance of this variant is uncertain due to the absence of conclusive functional and genetic evidence.

Labcorp Genetics (formerly Invitae), Labcorp
Classification: Uncertain significance. Last evaluated: 2025-05-29. Review status: criteria provided, single submitter. Criteria: Invitae Variant Classification Sherloc (09022015). Collection method: clinical testing. Allele origin: germline.
Comment: This sequence change replaces glycine, which is neutral and non-polar, with glutamic acid, which is acidic and polar, at codon 1968 of the EYS protein (p.Gly1968Glu). The frequency data for this variant in the population databases is considered unreliable, as metrics indicate poor data quality at this position in the gnomAD database. This missense change has been observed in individual(s) with retinitis pigmentosa (internal data). ClinVar contains an entry for this variant (Variation ID: 908899). Invitae Evidence Modeling of protein sequence and biophysical properties (such as structural, functional, and spatial information, amino acid conservation, physicochemical variation, residue mobility, and thermodynamic stability) indicates that this missense variant is not expected to disrupt EYS protein function with a negative predictive value of 80%. In summary, the available evidence is currently insufficient to determine the role of this variant in disease. Therefore, it has been classified as a Variant of Uncertain Significance.

Blueprint Genetics
Classification: Uncertain significance. Last evaluated: 2021-10-05. Review status: criteria provided, single submitter. Criteria: ACMG Guidelines, 2015. Collection method: clinical testing. Allele origin: germline.

Illumina Laboratory Services, Illumina
Classification: Uncertain significance for Retinitis pigmentosa. Last evaluated: 2018-01-12. Review status: criteria provided, single submitter. Criteria: ICSL Variant Classification Criteria 13 December 2019. Collection method: clinical testing. Allele origin: germline.

NM_001142800.2(EYS):c.5903G>A (p.Gly1968Glu)

Gene: EYS (EGF-like photoreceptor maintenance factor; minus strand). Cytogenetic location: 6q12.
Variant type: single nucleotide variant.
Coding change: c.5903G>A on transcript NM_001142800.2 (MANE Select); coding-DNA position 5903, G replaced by A.
Protein change: p.Gly1968Glu; replaces glycine 1968 with glutamic acid.
Molecular consequence: missense variant.
Genome position (GRCh38, 1-based): chr6:64,436,198, C>T on the plus strand (G>A on the coding strand, the complement: EYS is on the minus strand). VCF-style: chr6-64436198-C-T. GRCh37 (hg19) VCF-style: chr6-65146091-C-T.
Other names: c.5903G>A, p.Gly1968Glu (NM_001292009.2); short protein forms G1968E.
Identifiers: ClinVar variation 908899 (VCV000908899.9), dbSNP rs754069174, ClinGen allele CA3876966.
Genomic context (GRCh38, chr6:64,436,198, plus strand): 5'-TAATGAGATTAACTGGAAAAGAAATAATTATCTTACCTGATAAGCAGTGTATACTTTTGC[C>T]CGTTGTCCACTCTAACAGTAGTATTAATGCTTTTAAATTTTGCTTCACCAGGACAGTAAA-3'
Protein context (NP_001136272.1, residues 1958-1978): SINTTVRVDN[Gly1968Glu]QKYTLLIRQE